The following is an entry in ClinVar:

ClinVar aggregate classification (germline): Uncertain significance (1 of 4 stars; one submission).

Conditions:
Immunodeficiency. Identifiers: MedGen C0021051, MONDO:0021094, HP:0002721.

gnomAD v4.1: 10 of 1,614,114 alleles (0.00062%); highest among the groups gnomAD compares: African/African-American, 0.0013%; no homozygotes.

Submission:

Labcorp Genetics (formerly Invitae), Labcorp
Classification: Uncertain significance for Immunodeficiency. Last evaluated: 2025-12-09. Review status: criteria provided, single submitter. Criteria: Invitae Variant Classification Sherloc (09022015). Collection method: clinical testing. Allele origin: germline.
Comment: This sequence change replaces threonine, which is neutral and polar, with alanine, which is neutral and non-polar, at codon 917 of the NFAT5 protein (p.Thr917Ala). This variant is present in population databases (rs766519645, gnomAD 0.002%). This variant has not been reported in the literature in individuals affected with NFAT5-related conditions. An algorithm developed to predict the effect of missense changes on protein structure and function (PolyPhen-2) suggests that this variant is likely to be tolerated. In summary, the available evidence is currently insufficient to determine the role of this variant in disease. Therefore, it has been classified as a Variant of Uncertain Significance.

NM_138713.4(NFAT5):c.3031A>G (p.Thr1011Ala)

Gene: NFAT5 (nuclear factor of activated T cells 5; plus strand). Cytogenetic location: 16q22.1.
Variant type: single nucleotide variant.
Coding change: c.3031A>G on transcript NM_138713.4 (MANE Select); coding-DNA position 3031, A replaced by G.
Protein change: p.Thr1011Ala; replaces threonine 1011 with alanine.
Molecular consequence: missense variant.
Genome position (GRCh38, 1-based): chr16:69,692,856, A>G. VCF-style: chr16-69692856-A-G. GRCh37 (hg19) VCF-style: chr16-69726759-A-G.
Other names: c.3028A>G, p.Thr1010Ala (NM_001113178.3); c.2356A>G, p.Thr786Ala (NM_001367709.1); c.2977A>G, p.Thr993Ala (NM_006599.4); c.2749A>G, p.Thr917Ala (NM_138714.4, NM_173214.3, NM_173215.3); short protein forms T1011A, T786A, T917A, T993A, T1010A.
Identifiers: ClinVar variation 4755100 (VCV004755100.1).